The following is an entry in ClinVar:

ClinVar aggregate classification (germline): Uncertain significance (1 of 4 stars; one submission).

Submission:

GeneDx
Classification: Uncertain significance. Last evaluated: 2023-06-26. Review status: criteria provided, single submitter. Criteria: GeneDx Variant Classification Process June 2021. Collection method: clinical testing. Allele origin: germline. Affected: yes.
Comment: Not observed at significant frequency in large population cohorts (gnomAD); In silico analysis supports that this missense variant does not alter protein structure/function; Has not been previously published as pathogenic or benign to our knowledge

NM_002547.3(OPHN1):c.1763C>G (p.Pro588Arg)

Gene: OPHN1 (oligophrenin 1; minus strand). Cytogenetic location: Xq12.
Variant type: single nucleotide variant.
Coding change: c.1763C>G on transcript NM_002547.3 (MANE Select); coding-DNA position 1763, C replaced by G.
Protein change: p.Pro588Arg; replaces proline 588 with arginine.
Molecular consequence: missense variant.
Genome position (GRCh38, 1-based): chrX:68,073,223, G>C on the plus strand (C>G on the coding strand, the complement: OPHN1 is on the minus strand). VCF-style: chrX-68073223-G-C. GRCh37 (hg19) VCF-style: chrX-67293065-G-C.
Other names: short protein forms P588R.
Identifiers: ClinVar variation 1684051 (VCV001684051.3), dbSNP rs2147370834, ClinGen allele CA413431369.